The following is an entry in ClinVar:

NM_078470.6(COX15):c.*1133T>A

Gene: COX15 (cytochrome c oxidase assembly homolog COX15; minus strand). Cytogenetic location: 10q24.2.
Variant type: single nucleotide variant.
Coding change: c.*1133T>A on transcript NM_078470.6 (MANE Select); 1133 bases downstream of the stop codon, T replaced by A.
Molecular consequence: 3 prime UTR variant. On other transcripts: missense variant (1), non-coding transcript variant (1), intron variant (1).
Genome position (GRCh38, 1-based): chr10:99,713,454, A>T on the plus strand (T>A on the coding strand, the complement: COX15 is on the minus strand). VCF-style: chr10-99713454-A-T. GRCh37 (hg19) VCF-style: chr10-101473211-A-T.
Other names: c.*1314T>A (NM_001320975.2); c.*1133T>A (NM_001320976.2, NM_001372025.1, NM_001372026.1); c.*352T>A (NM_001372024.1); c.*1237T>A (NM_001372027.1); c.*560T>A (NM_001372028.1); c.1127T>A, p.Phe376Tyr (NM_004376.7); c.1101+2894T>A (NM_001320974.2); short protein forms F376Y.
Identifiers: ClinVar variation 3384244 (VCV003384244.1).

ClinVar aggregate classification (germline): Uncertain significance (1 of 4 stars; one submission).

Submission:

GeneDx
Classification: Uncertain significance. Last evaluated: 2024-06-07. Review status: criteria provided, single submitter. Criteria: GeneDx Variant Classification Process June 2021. Collection method: clinical testing. Allele origin: germline. Affected: yes.
Comment: Not observed at significant frequency in large population cohorts (gnomAD); In silico analysis indicates that this missense variant does not alter protein structure/function; Has not been previously published as pathogenic or benign to our knowledge